The following is an entry in ClinVar:

NM_000548.5(TSC2):c.3054C>T (p.Leu1018=)

Gene: TSC2 (TSC complex subunit 2; plus strand). Cytogenetic location: 16p13.3.
Variant type: single nucleotide variant.
Coding change: c.3054C>T on transcript NM_000548.5 (MANE Select); coding-DNA position 3054, C replaced by T.
Protein change: p.Leu1018=; no amino-acid change (leucine 1018 retained).
Molecular consequence: synonymous variant.
Genome position (GRCh38, 1-based): chr16:2,079,119, C>T. VCF-style: chr16-2079119-C-T. GRCh37 (hg19) VCF-style: chr16-2129120-C-T.
Other names: c.2922C>T, p.Leu974= (NM_001077183.3, NM_001370404.1); c.3054C>T, p.Leu1018= (NM_001114382.3); c.2814C>T, p.Leu938= (NM_001318827.2); c.2778C>T, p.Leu926= (NM_001318829.2); c.2322C>T, p.Leu774= (NM_001318831.2); c.2955C>T, p.Leu985= (NM_001318832.2); c.2925C>T, p.Leu975= (NM_001363528.2, NM_001370405.1, NM_021055.3).
Identifiers: ClinVar variation 238009 (VCV000238009.28), dbSNP rs762570079, ClinGen allele CA044097.
Genomic context (GRCh38, chr16:2,079,119, plus strand): 5'-CAGCTTGGGGTCTGCAGATGAGAACTCCGTGGCCCAGGCTGACGATAGCCTGAAAAACCT[C>T]CACCTGGAGCTCACGGAAACCTGTCTGGACATGATGGCTCGATACGTCTTCTCCAACTTC-3'
Protein context (NP_000539.2, residues 1008-1028): VAQADDSLKN[Leu1018=]HLELTETCLD

ClinVar aggregate classification (germline): Conflicting classifications of pathogenicity. Review status: criteria provided, conflicting classifications (1 of 4 stars). 6 submissions from 6 submitters: Uncertain significance (1); Benign (1); Likely benign (4). Last evaluated 2026-01-28.

Conditions:
Hereditary cancer-predisposing syndrome. Also called: Tumor predisposition; Hereditary Cancer Syndrome; Hereditary neoplastic syndrome; Neoplastic Syndromes, Hereditary. Identifiers: Orphanet 140162, MedGen C0027672, MeSH D009386, MONDO:0015356.
Tuberous sclerosis syndrome (TSC). Also called: Tuberous Sclerosis Complex; Tuberous sclerosis. Identifiers: Orphanet 805, MedGen C0041341, MONDO:0001734.
Tuberous sclerosis 2 (TSC2). Identifiers: Orphanet 805, MedGen C1860707, MONDO:0013199, OMIM 613254.

Allele frequency attached by ClinVar (database versions not stated): TOPMed below 0.00001; gnomAD 0.00001; ExAC 0.00002; gnomAD exomes 0.00002.
gnomAD v4.1: 12 of 1,612,956 alleles (0.00074%); highest among the groups gnomAD compares: East Asian, 0.025%; no homozygotes.

Submissions (6):

Labcorp Genetics (formerly Invitae), Labcorp
Classification: Likely benign for Tuberous sclerosis 2. Last evaluated: 2026-01-28. Review status: criteria provided, single submitter. Criteria: Invitae Variant Classification Sherloc (09022015). Collection method: clinical testing. Allele origin: germline.

Myriad Genetics, Inc.
Classification: Benign for Tuberous sclerosis 2. Last evaluated: 2025-05-27. Review status: criteria provided, single submitter. Criteria: Myriad Autosomal Dominant, Autosomal Recessive and X-Linked Classification Criteria (2023). Collection method: clinical testing. Allele origin: unknown.
Comment: This variant is considered benign. This variant is a silent/synonymous amino acid change and it is not expected to impact splicing.

All of Us Research Program, National Institutes of Health
Classification: Likely benign for Tuberous sclerosis syndrome. Last evaluated: 2024-05-30. Review status: criteria provided, single submitter. Criteria: ACMG Guidelines, 2015. Collection method: clinical testing. Allele origin: germline. Inheritance: Autosomal dominant inheritance. Observed: 1 variant allele, 1 heterozygote.
Comment: This study involves interpretation of variants in research participants for the purpose of population health screening. Participant phenotype was not available at the time of variant classification. Additional details can be found in publication PMID: 35346344, PMCID: PMC8962531

Ambry Genetics
Classification: Likely benign for Hereditary cancer-predisposing syndrome. Last evaluated: 2022-01-20. Review status: criteria provided, single submitter. Criteria: Ambry Variant Classification Scheme 2023. Collection method: clinical testing. Allele origin: germline.

Genome-Nilou Lab
Classification: Likely benign for Tuberous sclerosis 2. Last evaluated: 2021-11-07. Review status: criteria provided, single submitter. Criteria: ACMG Guidelines, 2015. Collection method: clinical testing. Allele origin: germline. Affected: no.

GeneDx
Classification: Uncertain significance. Last evaluated: 2019-10-17. Review status: criteria provided, single submitter. Criteria: GeneDx Variant Classification Process June 2021. Collection method: clinical testing. Allele origin: germline. Affected: yes.
Comment: Has not been previously published as pathogenic or benign to our knowledge; In-silico analysis, which includes splice predictors and evolutionary conservation, is inconclusive as to whether the variant alters gene splicing. In the absence of RNA/functional studies, the actual effect of this sequence change is unknown.